The following is an entry in ClinVar:

ClinVar aggregate classification (germline): Uncertain significance. Review status: criteria provided, single submitter (1 of 4 stars). 2 submissions from 2 submitters: Uncertain significance (1). 1 of the submissions does not count toward it. Last evaluated 2025-09-10.

Conditions:
Anophthalmia-microphthalmia syndrome. Also called: Anophthalmia/Microphthalmia; Anophthalmia - microphthalmia. Identifiers: Orphanet 98555, MedGen C5680330, MONDO:0020147.
Pituitary hormone deficiency, combined, 6. Identifiers: MedGen C3151440, MONDO:0013518, OMIM 613986.

Allele frequency attached by ClinVar (database versions not stated): TOPMed 0.00003; ESP Exome Variant Server 0.00008; gnomAD exomes below 0.00001 and 0.00002; ExAC 0.00003; gnomAD 0.00003.
gnomAD v4.1: 8 of 1,614,182 alleles (0.0005%); highest among the groups gnomAD compares: African/African-American, 0.0093%; no homozygotes.

Submissions (2):

Labcorp Genetics (formerly Invitae), Labcorp
Classification: Uncertain significance for Anophthalmia-microphthalmia syndrome. Last evaluated: 2025-09-10. Review status: criteria provided, single submitter. Criteria: Invitae Variant Classification Sherloc (09022015). Collection method: clinical testing. Allele origin: germline.
Comment: This sequence change replaces asparagine, which is neutral and polar, with serine, which is neutral and polar, at codon 225 of the OTX2 protein (p.Asn225Ser). This variant is present in population databases (rs370761964, gnomAD 0.03%). This missense change has been observed in individuals with combined pituitary hormone deficiency (PMID: 18728160). This variant is also known as A698G. ClinVar contains an entry for this variant (Variation ID: 30023). An algorithm developed to predict the effect of missense changes on protein structure and function (PolyPhen-2) suggests that this variant is likely to be tolerated. Experimental studies have shown that this missense change affects OTX2 function (PMID: 18728160). In summary, the available evidence is currently insufficient to determine the role of this variant in disease. Therefore, it has been classified as a Variant of Uncertain Significance.

OMIM
Classification: Pathogenic for PITUITARY HORMONE DEFICIENCY, COMBINED, 6. Last evaluated: 2008-11-01. Review status: no assertion criteria provided. Collection method: literature only. Allele origin: germline. Not counted in ClinVar's aggregate classification.

Literature cited by the submitters: PubMed 18728160 (cited by Labcorp Genetics (formerly Invitae), Labcorp and OMIM).

NM_021728.4(OTX2):c.698A>G (p.Asn233Ser)

Gene: OTX2 (orthodenticle homeobox 2; minus strand). Cytogenetic location: 14q22.3.
Variant type: single nucleotide variant.
Coding change: c.698A>G on transcript NM_021728.4 (MANE Select); coding-DNA position 698, A replaced by G.
Protein change: p.Asn233Ser; replaces asparagine 233 with serine.
Molecular consequence: missense variant. On other transcripts: non-coding transcript variant (2).
Genome position (GRCh38, 1-based): chr14:56,801,931, T>C on the plus strand (A>G on the coding strand, the complement: OTX2 is on the minus strand). VCF-style: chr14-56801931-T-C. GRCh37 (hg19) VCF-style: chr14-57268649-T-C.
Other names: c.674A>G, p.Asn225Ser (NM_001270523.2, NM_001270524.2, NM_172337.3); c.698A>G, p.Asn233Ser (NM_001270525.2); short protein forms N233S, N225S.
Identifiers: ClinVar variation 30023 (VCV000030023.2), dbSNP rs370761964, ClinGen allele CA128835.